The following is an entry in ClinVar:

NM_000090.4(COL3A1):c.3619G>A (p.Gly1207Arg)

Gene: COL3A1 (collagen type III alpha 1 chain; plus strand). Cytogenetic location: 2q32.2.
Variant type: single nucleotide variant.
Coding change: c.3619G>A on transcript NM_000090.4 (MANE Select); coding-DNA position 3619, G replaced by A.
Protein change: p.Gly1207Arg; replaces glycine 1207 with arginine.
Molecular consequence: missense variant.
Genome position (GRCh38, 1-based): chr2:189,009,017, G>A. VCF-style: chr2-189009017-G-A. GRCh37 (hg19) VCF-style: chr2-189873743-G-A.
Other names: short protein forms G1207R.
Identifiers: ClinVar variation 2174508 (VCV002174508.4), dbSNP rs371596313, ClinGen allele CA62562756.

ClinVar aggregate classification (germline): Uncertain significance. Review status: criteria provided, multiple submitters, no conflicts (2 of 4 stars). 2 submissions from 2 submitters: Uncertain significance (2). Last evaluated 2024-08-13.

Conditions:
Ehlers-Danlos syndrome, type 4 (EDSVASC). Also called: Ehlers-Danlos syndrome vascular type; Ehlers Danlos syndrome, ecchymotic type; Ehlers Danlos syndrome, arterial type; Ehlers Danlos syndrome, Sack-Barabas type; Ehlers-Danlos Syndrome Type IV. Identifiers: Orphanet 286, MedGen C0268338, MONDO:0017314, OMIM 130050.

Allele frequency attached by ClinVar (database versions not stated): TOPMed below 0.00001; ESP Exome Variant Server 0.00008.

Submissions (2):

All of Us Research Program, National Institutes of Health
Classification: Uncertain significance for Ehlers-Danlos syndrome, type 4. Last evaluated: 2024-08-13. Review status: criteria provided, single submitter. Criteria: ACMG Guidelines, 2015. Collection method: clinical testing. Allele origin: germline. Inheritance: Autosomal dominant inheritance. Observed: 1 variant allele, 1 heterozygote.
Comment: This missense variant replaces glycine with arginine at codon 1207 of the COL3A1 protein. Computational prediction tools indicate that this variant has a neutral impact on protein structure and function. To our knowledge, functional studies have not been reported for this variant. This variant has not been reported in individuals affected with COL3A1-related disorders in the literature. This variant has not been identified in the general population by the Genome Aggregation Database (gnomAD). The available evidence is insufficient to determine the role of this variant in disease conclusively. Therefore, this variant is classified as a Variant of Uncertain Significance.

This study involves interpretation of variants in research participants for the purpose of population health screening. Participant phenotype was not available at the time of variant classification. Additional details can be found in publication PMID: 35346344, PMCID: PMC8962531

Labcorp Genetics (formerly Invitae), Labcorp
Classification: Uncertain significance for Ehlers-Danlos syndrome, type 4. Last evaluated: 2023-12-18. Review status: criteria provided, single submitter. Criteria: Invitae Variant Classification Sherloc (09022015). Collection method: clinical testing. Allele origin: germline.
Comment: This sequence change replaces glycine, which is neutral and non-polar, with arginine, which is basic and polar, at codon 1207 of the COL3A1 protein (p.Gly1207Arg). This variant is not present in population databases (gnomAD no frequency). This variant has not been reported in the literature in individuals affected with COL3A1-related conditions. ClinVar contains an entry for this variant (Variation ID: 2174508). Advanced modeling of protein sequence and biophysical properties (such as structural, functional, and spatial information, amino acid conservation, physicochemical variation, residue mobility, and thermodynamic stability) performed at Invitae indicates that this missense variant is not expected to disrupt COL3A1 protein function with a negative predictive value of 95%. In summary, the available evidence is currently insufficient to determine the role of this variant in disease. Therefore, it has been classified as a Variant of Uncertain Significance.